The following is an entry in ClinVar:

NM_002519.3(NPAT):c.3061C>T (p.His1021Tyr)

Gene: NPAT (nuclear protein, coactivator of histone transcription; minus strand). Cytogenetic location: 11q22.3.
Variant type: single nucleotide variant.
Coding change: c.3061C>T on transcript NM_002519.3 (MANE Select); coding-DNA position 3061, C replaced by T.
Protein change: p.His1021Tyr; replaces histidine 1021 with tyrosine.
Molecular consequence: missense variant.
Genome position (GRCh38, 1-based): chr11:108,162,130, G>A on the plus strand (C>T on the coding strand, the complement: NPAT is on the minus strand). VCF-style: chr11-108162130-G-A. GRCh37 (hg19) VCF-style: chr11-108032857-G-A.
Other names: c.3061C>T, p.His1021Tyr (NM_001321307.1); short protein forms H1021Y.
Identifiers: ClinVar variation 1799379 (VCV001799379.5), dbSNP rs1236250100, ClinGen allele CA382511622.
Genomic context (GRCh38, chr11:108,162,130, plus strand): 5'-TTAAATCTGAGCATTCAAACAATCTATGATAGAAACTACTTTATACTCACTTTTGTGCAT[G>A]ACATCCAACTGAATGACCTGACGAATCCACCAAATTATTTACTTGTTTTCCTGAAATTAT-3'
Protein context (NP_002510.2, residues 1011-1031): VDSSGHSVGC[His1021Tyr]AQKTEVSDKS

ClinVar aggregate classification (germline): Uncertain significance. Review status: criteria provided, multiple submitters, no conflicts (2 of 4 stars). 2 submissions from 2 submitters: Uncertain significance (2). Last evaluated 2025-08-02.

Allele frequency attached by ClinVar (database versions not stated): gnomAD exomes 0.00001; gnomAD 0.00003; TOPMed 0.00002.
gnomAD v4.1: 7 of 1,613,754 alleles (0.00043%); highest among the groups gnomAD compares: Non-Finnish European, 0.00059%; no homozygotes.

Submissions (2):

Labcorp Genetics (formerly Invitae), Labcorp
Classification: Uncertain significance. Last evaluated: 2025-08-02. Review status: criteria provided, single submitter. Criteria: Invitae Variant Classification Sherloc (09022015). Collection method: clinical testing. Allele origin: germline.
Comment: This sequence change replaces histidine, which is basic and polar, with tyrosine, which is neutral and polar, at codon 1021 of the NPAT protein (p.His1021Tyr). This variant is present in population databases (no rsID available, gnomAD 0.007%). This variant has not been reported in the literature in individuals affected with NPAT-related conditions. ClinVar contains an entry for this variant (Variation ID: 1799379). An algorithm developed to predict the effect of missense changes on protein structure and function (PolyPhen-2) suggests that this variant is likely to be tolerated. In summary, the available evidence is currently insufficient to determine the role of this variant in disease. Therefore, it has been classified as a Variant of Uncertain Significance.

Ambry Genetics
Classification: Uncertain significance. Last evaluated: 2022-09-28. Review status: criteria provided, single submitter. Criteria: Ambry Variant Classification Scheme 2023. Collection method: clinical testing. Allele origin: germline.
Comment: The p.H1021Y variant (also known as c.3061C>T), located in coding exon 16 of the NPAT gene, results from a C to T substitution at nucleotide position 3061. The histidine at codon 1021 is replaced by tyrosine, an amino acid with similar properties. This amino acid position is conserved. In addition, this alteration is predicted to be tolerated by in silico analysis. Since supporting evidence is limited at this time, the clinical significance of this alteration remains unclear.